The following is an entry in ClinVar:

NM_054027.6(ANKH):c.1278G>A (p.Ala426=)

Genes: ANKH (ANKH inorganic pyrophosphate transport regulator; minus strand), OTULIN (OTU deubiquitinase with linear linkage specificity; plus strand), LOC100130744 (uncharacterized LOC100130744; plus strand). Cytogenetic location: 5p15.2.
Variant type: single nucleotide variant.
Coding change: c.1278G>A on transcript NM_054027.6 (MANE Select); coding-DNA position 1278, G replaced by A.
Protein change: p.Ala426=; no amino-acid change (alanine 426 retained).
Molecular consequence: synonymous variant. On other transcripts: non-coding transcript variant (1).
Genome position (GRCh38, 1-based): chr5:14,712,961, C>T on the plus strand (G>A on the coding strand, the complement: ANKH is on the minus strand). VCF-style: chr5-14712961-C-T. GRCh37 (hg19) VCF-style: chr5-14713070-C-T.
Identifiers: ClinVar variation 351501 (VCV000351501.10), dbSNP rs568804732, ClinGen allele CA3208855.

ClinVar aggregate classification (germline): Benign/Likely benign. Review status: criteria provided, multiple submitters, no conflicts (2 of 4 stars). 4 submissions from 3 submitters: Benign (2); Likely benign (2). Last evaluated 2024-12-23.

Conditions:
Chondrocalcinosis 2. Also called: CALCIUM GOUT; CALCIUM PYROPHOSPHATE ARTHROPATHY; Familial calcium pyrophosphate deposition. Identifiers: Orphanet 1416, MedGen C0856830, MONDO:0007319, OMIM 118600.
Craniometaphyseal dysplasia, autosomal dominant (CMDD). Identifiers: Orphanet 1522, MedGen C1852502, MONDO:0007397, OMIM 123000.

Allele frequency attached by ClinVar (database versions not stated): gnomAD 0.00001 and 0.00002; gnomAD exomes 0.00002; ExAC 0.00003; TOPMed 0.00004; 1000 Genomes Project 30x 0.00016; 1000 Genomes Project 0.00020.
gnomAD v4.1: 28 of 1,613,072 alleles (0.0017%); highest among the groups gnomAD compares: African/African-American, 0.004%; no homozygotes.

Submissions (4):

Labcorp Genetics (formerly Invitae), Labcorp
Classification: Likely benign. Last evaluated: 2024-12-23. Review status: criteria provided, single submitter. Criteria: Invitae Variant Classification Sherloc (09022015). Collection method: clinical testing. Allele origin: germline.

Blueprint Genetics
Classification: Likely benign. Last evaluated: 2022-08-30. Review status: criteria provided, single submitter. Criteria: ACMG Guidelines, 2015. Collection method: clinical testing. Allele origin: germline.

Illumina Laboratory Services, Illumina
Classification: Benign for Craniometaphyseal dysplasia, autosomal dominant. Last evaluated: 2018-01-12. Review status: criteria provided, single submitter. Criteria: ICSL Variant Classification Criteria 13 December 2019. Collection method: clinical testing. Allele origin: germline.
Comment: This variant was observed in the ICSL laboratory as part of a predisposition screen in an ostensibly healthy population. It had not been previously curated by ICSL or reported in the Human Gene Mutation Database (HGMD: prior to June 1st, 2018), and was therefore a candidate for classification through an automated scoring system. Utilizing variant allele frequency, disease prevalence and penetrance estimates, and inheritance mode, an automated score was calculated to assess if this variant is too frequent to cause the disease. Based on the score and internal cut-off values, a variant classified as benign is not then subjected to further curation. The score for this variant resulted in a classification of benign for this disease.

Illumina Laboratory Services, Illumina
Classification: Benign for Chondrocalcinosis 2. Last evaluated: 2018-01-12. Review status: criteria provided, single submitter. Criteria: ICSL Variant Classification Criteria 13 December 2019. Collection method: clinical testing. Allele origin: germline.
Comment: the same text as in the submission from Illumina Laboratory Services, Illumina above.